The following is an entry in ClinVar:

ClinVar aggregate classification (germline): Pathogenic. Review status: criteria provided, multiple submitters, no conflicts (2 of 4 stars). 2 submissions from 2 submitters: Pathogenic (2). Last evaluated 2024-02-02.

Conditions:
KRIT1-related disorder. Also called: KRIT1-related condition; KRIT1-related disorders.
Cerebral cavernous malformation (CCM). Also called: CAVERNOUS ANGIOMA, FAMILIAL; CAVERNOUS ANGIOMATOUS MALFORMATIONS; CEREBRAL CAPILLARY MALFORMATIONS; Cavernous Hemangioma of Brain; Cerebral cavernous hemangioma (type); Cerebral cavernous malformations. Identifiers: Orphanet 221061, MedGen C2919945, MONDO:0000820, OMIM 116860, HP:0033522.

Submissions (2):

Labcorp Genetics (formerly Invitae), Labcorp
Classification: Pathogenic for Cerebral cavernous malformation. Last evaluated: 2024-02-02. Review status: criteria provided, single submitter. Criteria: Invitae Variant Classification Sherloc (09022015). Collection method: clinical testing. Allele origin: germline.
Comment: This sequence change creates a premature translational stop signal (p.Gln401*) in the KRIT1 gene. It is expected to result in an absent or disrupted protein product. Loss-of-function variants in KRIT1 are known to be pathogenic (PMID: 10508515, 11222804, 12404106, 24689081). This variant is not present in population databases (gnomAD no frequency). This premature translational stop signal has been observed in individual(s) with multiple cerebral cavernomas and hyper-keratotic angioma (PMID: 24721395). ClinVar contains an entry for this variant (Variation ID: 468205). Algorithms developed to predict the effect of sequence changes on RNA splicing suggest that this variant may disrupt the consensus splice site. For these reasons, this variant has been classified as Pathogenic.

PreventionGenetics, part of Exact Sciences
Classification: Pathogenic for KRIT1-related condition. Last evaluated: 2022-12-19. Review status: criteria provided, single submitter. Criteria: ACMG Guidelines, 2015. Collection method: clinical testing. Allele origin: germline.
Comment: The KRIT1 c.1201C>T variant is predicted to result in premature protein termination (p.Gln401*). This variant was reported in an individual with cerebral cavernous malformations and seizures (Feldmeyer et al. 2014. PubMed ID: 24721395). This variant has not been reported in a large population database, indicating this variant is rare. Nonsense variants in KRIT1 are expected to be pathogenic. This variant is interpreted as pathogenic.

Literature cited by the submitters: PubMed 10508515 (cited by Labcorp Genetics (formerly Invitae), Labcorp); PubMed 11222804 (cited by Labcorp Genetics (formerly Invitae), Labcorp); PubMed 12404106 (cited by Labcorp Genetics (formerly Invitae), Labcorp); PubMed 24689081 (cited by Labcorp Genetics (formerly Invitae), Labcorp); PubMed 24721395 (cited by Labcorp Genetics (formerly Invitae), Labcorp).

NM_194454.3(KRIT1):c.1201C>T (p.Gln401Ter)

Gene: KRIT1 (KRIT1 ankyrin repeat containing; minus strand). Cytogenetic location: 7q21.2.
Variant type: single nucleotide variant.
Coding change: c.1201C>T on transcript NM_194454.3 (MANE Select); coding-DNA position 1201, C replaced by T.
Protein change: p.Gln401Ter; replaces glutamine 401 with a stop codon.
Molecular consequence: nonsense.
Genome position (GRCh38, 1-based): chr7:92,225,773, G>A on the plus strand (C>T on the coding strand, the complement: KRIT1 is on the minus strand). VCF-style: chr7-92225773-G-A. GRCh37 (hg19) VCF-style: chr7-91855087-G-A.
Other names: c.1057C>T, p.Gln353Ter (NM_001013406.2, NM_001350669.1, NM_001350670.1); c.487C>T, p.Gln163Ter (NM_001350671.1); c.1201C>T, p.Gln401Ter (NM_001350672.1, NM_001350673.1, NM_001350674.1 and 26 more transcripts); short protein forms Q401*, Q163*, Q353*.
Identifiers: ClinVar variation 468205 (VCV000468205.12), dbSNP rs1331502949, ClinGen allele CA368150819.